The following is an entry in ClinVar:

ClinVar aggregate classification (germline): Uncertain significance (1 of 4 stars; one submission).

Conditions:
Combined oxidative phosphorylation defect type 17. Also called: Combined oxidative phosphorylation deficiency 17. Identifiers: Orphanet 369913, MedGen C3809526, MONDO:0014190, OMIM 615440.

Submission:

Labcorp Genetics (formerly Invitae), Labcorp
Classification: Uncertain significance for Combined oxidative phosphorylation defect type 17. Last evaluated: 2022-05-28. Review status: criteria provided, single submitter. Criteria: Invitae Variant Classification Sherloc (09022015). Collection method: clinical testing. Allele origin: germline.
Comment: In summary, the available evidence is currently insufficient to determine the role of this variant in disease. Therefore, it has been classified as a Variant of Uncertain Significance. Experimental studies and prediction algorithms are not available or were not evaluated, and the functional significance of this variant is currently unknown. This variant has not been reported in the literature in individuals affected with ELAC2-related conditions. This variant is present in population databases (no rsID available, gnomAD 0.002%). This variant, c.1020_1022del, results in the deletion of 1 amino acid(s) of the ELAC2 protein (p.Val341del), but otherwise preserves the integrity of the reading frame.

NM_018127.7(ELAC2):c.1017GGT[1] (p.Val341del)

Gene: ELAC2 (elaC ribonuclease Z 2; minus strand). Cytogenetic location: 17p12.
Variant type: Microsatellite.
Coding change: c.1017GGT[1] on transcript NM_018127.7 (MANE Select); one copy of the 3-base unit GGT starting at c.1017; the reference has two copies in a row; one copy, 3 bases deleted.
Protein change: p.Val341del; deletes valine 341.
Molecular consequence: inframe deletion.
Genome position (GRCh38, 1-based): chr17:13,003,536-13,003,538, ACC deleted on the plus strand (GGT on the coding strand, the reverse complement: ELAC2 is on the minus strand); deleting any 3 consecutive bases within chr17:13,003,536-13,003,542 gives the same sequence; the position shown is the placement nearest the transcript's 3' end. VCF-style (leftmost placement, unchanged base first): chr17-13003535-AACC-A. GRCh37 (hg19) VCF-style: chr17-12906852-AACC-A.
Other names: c.897GGT[1], p.Val301del (NM_001165962.2); c.1017GGT[1], p.Val341del (NM_173717.2); short protein forms V301del, V341del.
Identifiers: ClinVar variation 1356773 (VCV001356773.6), dbSNP rs1344475140, ClinGen allele CA624930013.